The following is an entry in ClinVar:

ClinVar aggregate classification (germline): Benign/Likely benign. Review status: criteria provided, multiple submitters, no conflicts (2 of 4 stars). 27 submissions from 20 submitters: Benign (17); Likely benign (4). 6 of the submissions do not count toward it. Last evaluated 2026-02-03.

Conditions:
Dilated cardiomyopathy 1G (CMD1G). Identifiers: Orphanet 154, MedGen C1858763, MONDO:0011400, OMIM 604145.
Autosomal recessive limb-girdle muscular dystrophy type 2J (LGMDR10). Also called: MUSCULAR DYSTROPHY, LIMB-GIRDLE, AUTOSOMAL RECESSIVE 10; Limb-girdle muscular dystrophy, type 2J. Identifiers: Orphanet 140922, MedGen C1837342, MONDO:0012127, OMIM 608807.
TTN-related disorder. Also called: TTN-related disorders; TTN-related condition; TTN-related disease.
Cardiovascular phenotype. Identifiers: MedGen CN230736.
Cardiomyopathy (CMYO). Also called: Cardiomyopathies. Identifiers: Orphanet 167848, MedGen C0878544, MONDO:0004994, HP:0001638. Inheritance: Various modes of inheritance.
Myopathy, myofibrillar, 9, with early respiratory failure (MFM9). Also called: Myopathy, distal, with early respiratory failure, autosomal dominant; Hereditary myopathy with early respiratory failure; MYOPATHY, PROXIMAL, WITH EARLY RESPIRATORY MUSCLE INVOLVEMENT; EDSTROM MYOPATHY. Identifiers: Orphanet 178464, Orphanet 34521, MedGen C1863599, MONDO:0011362, OMIM 603689.
Early-onset myopathy with fatal cardiomyopathy (CMYO5). Also called: CONGENITAL MYOPATHY 5 WITH CARDIOMYOPATHY; Salih Myopathy. Identifiers: Orphanet 289377, MedGen C2673677, MONDO:0012714, OMIM 611705. Disease mechanism: loss of function.
Tibial muscular dystrophy (TMD). Also called: Udd Distal Myopathy – Tibial Muscular Dystrophy; Tibial muscular dystrophy, tardive; UDD MYOPATHY. Identifiers: Orphanet 609, MedGen C1838244, MONDO:0010870, OMIM 600334.

Allele frequency attached by ClinVar (database versions not stated): gnomAD exomes 0.00217 and 0.00369; TOPMed 0.00104; ESP Exome Variant Server 0.00150; gnomAD 0.00103 and 0.00177; ExAC 0.00426; 1000 Genomes Project 0.00599; 1000 Genomes Project 30x 0.00593.
gnomAD v4.1: 3,477 of 1,613,920 alleles (0.22%); highest among the groups gnomAD compares: South Asian, 2.1%; 52 homozygotes.

Submissions (27):

Labcorp Genetics (formerly Invitae), Labcorp
Classification: Benign for Dilated cardiomyopathy 1G; Autosomal recessive limb-girdle muscular dystrophy type 2J. Last evaluated: 2026-02-03. Review status: criteria provided, single submitter. Criteria: Invitae Variant Classification Sherloc (09022015). Collection method: clinical testing. Allele origin: germline.

ARUP Laboratories, Molecular Genetics and Genomics, ARUP Laboratories
Classification: Benign. Last evaluated: 2025-06-23. Review status: criteria provided, single submitter. Criteria: ARUP Molecular Germline Variant Investigation Process 2024. Collection method: clinical testing. Allele origin: germline.

Molecular Diagnostic Laboratory for Inherited Cardiovascular Disease, Montreal Heart Institute
Classification: Benign. Last evaluated: 2025-04-09. Review status: criteria provided, single submitter. Criteria: ACMG Guidelines, 2015. Collection method: clinical testing. Allele origin: germline. Affected: no.

Athena Diagnostics
Classification: Benign. Last evaluated: 2025-01-21. Review status: criteria provided, single submitter. Criteria: Athena Diagnostics Criteria. Collection method: clinical testing. Allele origin: unknown.
Comment: The frequency of this variant in the general population is higher than would generally be expected for pathogenic variants in this gene.

Mayo Clinic Laboratories, Mayo Clinic
Classification: Benign. Last evaluated: 2023-06-16. Review status: criteria provided, single submitter. Criteria: ACMG Guidelines, 2015. Collection method: clinical testing. Allele origin: germline. Observed: 8 variant alleles.
Comment: BS1, BS2

Genome-Nilou Lab
Classification: Benign for Autosomal recessive limb-girdle muscular dystrophy type 2J. Last evaluated: 2021-09-10. Review status: criteria provided, single submitter. Criteria: ACMG Guidelines, 2015. Collection method: clinical testing. Allele origin: germline. Affected: no.

Genome-Nilou Lab
Classification: Benign for Myopathy, myofibrillar, 9, with early respiratory failure. Last evaluated: 2021-09-10. Review status: criteria provided, single submitter. Criteria: ACMG Guidelines, 2015. Collection method: clinical testing. Allele origin: germline. Affected: no.

Genome-Nilou Lab
Classification: Benign for Early-onset myopathy with fatal cardiomyopathy. Last evaluated: 2021-09-10. Review status: criteria provided, single submitter. Criteria: ACMG Guidelines, 2015. Collection method: clinical testing. Allele origin: germline. Affected: no.

Genome-Nilou Lab
Classification: Benign for Tibial muscular dystrophy. Last evaluated: 2021-09-10. Review status: criteria provided, single submitter. Criteria: ACMG Guidelines, 2015. Collection method: clinical testing. Allele origin: germline. Affected: no.

Women's Health and Genetics/Laboratory Corporation of America, LabCorp
Classification: Benign. Last evaluated: 2020-01-06. Review status: criteria provided, single submitter. Criteria: LabCorp Variant Classification Summary - May 2015. Collection method: clinical testing. Allele origin: germline.

CHEO Genetics Diagnostic Laboratory, Children's Hospital of Eastern Ontario
Classification: Benign for Cardiomyopathy. Last evaluated: 2019-05-29. Review status: criteria provided, single submitter. Criteria: ACMG Guidelines, 2015. Collection method: clinical testing. Allele origin: germline.

Illumina Laboratory Services, Illumina
Classification: Benign for Myopathy, myofibrillar, 9, with early respiratory failure. Last evaluated: 2018-01-12. Review status: criteria provided, single submitter. Criteria: ICSL Variant Classification Criteria 13 December 2019. Collection method: clinical testing. Allele origin: germline.
Comment: This variant was observed in the ICSL laboratory as part of a predisposition screen in an ostensibly healthy population. It had not been previously curated by ICSL or reported in the Human Gene Mutation Database (HGMD: prior to June 1st, 2018), and was therefore a candidate for classification through an automated scoring system. Utilizing variant allele frequency, disease prevalence and penetrance estimates, and inheritance mode, an automated score was calculated to assess if this variant is too frequent to cause the disease. Based on the score and internal cut-off values, a variant classified as benign is not then subjected to further curation. The score for this variant resulted in a classification of benign for this disease.

Illumina Laboratory Services, Illumina
Classification: Benign for Tibial muscular dystrophy. Last evaluated: 2018-01-12. Review status: criteria provided, single submitter. Criteria: ICSL Variant Classification Criteria 13 December 2019. Collection method: clinical testing. Allele origin: germline.
Comment: the same text as in the submission from Illumina Laboratory Services, Illumina above.

Illumina Laboratory Services, Illumina
Classification: Likely benign for Autosomal recessive limb-girdle muscular dystrophy type 2J. Last evaluated: 2018-01-12. Review status: criteria provided, single submitter. Criteria: ICSL Variant Classification Criteria 13 December 2019. Collection method: clinical testing. Allele origin: germline.
Comment: This variant was observed in the ICSL laboratory as part of a predisposition screen in an ostensibly healthy population. It had not been previously curated by ICSL or reported in the Human Gene Mutation Database (HGMD: prior to June 1st, 2018), and was therefore a candidate for classification through an automated scoring system. Utilizing variant allele frequency, disease prevalence and penetrance estimates, and inheritance mode, an automated score was calculated to assess if this variant is too frequent to cause the disease. Based on the score and internal cut-off values, a variant classified as likely benign is not then subjected to further curation. The score for this variant resulted in a classification of likely benign for this disease.

Illumina Laboratory Services, Illumina
Classification: Likely benign for Early-onset myopathy with fatal cardiomyopathy. Last evaluated: 2018-01-12. Review status: criteria provided, single submitter. Criteria: ICSL Variant Classification Criteria 13 December 2019. Collection method: clinical testing. Allele origin: germline.
Comment: the same text as in the submission from Illumina Laboratory Services, Illumina above.

Illumina Laboratory Services, Illumina
Classification: Likely benign for Dilated cardiomyopathy 1G. Last evaluated: 2018-01-12. Review status: criteria provided, single submitter. Criteria: ICSL Variant Classification Criteria 13 December 2019. Collection method: clinical testing. Allele origin: germline.
Comment: the same text as in the submission from Illumina Laboratory Services, Illumina above.

Ambry Genetics
Classification: Benign for Cardiovascular phenotype. Last evaluated: 2017-02-22. Review status: criteria provided, single submitter. Criteria: Ambry Variant Classification Scheme 2023. Collection method: clinical testing. Allele origin: germline.

Eurofins Ntd Llc (ga)
Classification: Benign. Last evaluated: 2015-09-03. Review status: criteria provided, single submitter. Criteria: EGL Classification Definitions 2015. Collection method: clinical testing. Allele origin: germline. Observed: 1 variant allele, 1 heterozygote.

Laboratory for Molecular Medicine, Mass General Brigham Personalized Medicine
Classification: Benign. Last evaluated: 2015-04-28. Review status: criteria provided, single submitter. Criteria: LMM Criteria. Collection method: clinical testing. Allele origin: germline. Observed: 13 variant alleles.
Comment: p.Val31234Val in exon 307 of TTN: This variant is not expected to have clinical significance because it has been identified in 2.3% (385/16510) of South Asian c hromosomes, including 8 homozygotes, by the Exome Aggregation Consortium (ExAC; dbSNP rs55802460).

GeneDx
Classification: Benign. Last evaluated: 2012-12-19. Review status: criteria provided, single submitter. Criteria: GeneDx Variant Classification (06012015). Collection method: clinical testing. Allele origin: germline. Affected: yes.
Comment: This variant is considered likely benign or benign based on one or more of the following criteria: it is a conservative change, it occurs at a poorly conserved position in the protein, it is predicted to be benign by multiple in silico algorithms, and/or has population frequency not consistent with disease.

Breakthrough Genomics
Classification: Likely benign. Review status: criteria provided, single submitter. Criteria: ACMG Guidelines, 2015. Collection method: not provided. Allele origin: germline. Inheritance: Autosomal recessive inheritance. Affected: yes.

PreventionGenetics, part of Exact Sciences
Classification: Benign for TTN-related condition. Last evaluated: 2022-11-14. Review status: no assertion criteria provided. Collection method: clinical testing. Allele origin: germline. Not counted in ClinVar's aggregate classification.
Comment: This variant is classified as benign based on ACMG/AMP sequence variant interpretation guidelines (Richards et al. 2015 PMID: 25741868, with internal and published modifications).

Clinical Genetics DNA and cytogenetics Diagnostics Lab, Erasmus MC, Erasmus Medical Center
Classification: Likely benign. Review status: no assertion criteria provided. Collection method: clinical testing. Allele origin: germline. Affected: yes. Study: VKGL Data-share Consensus. Not counted in ClinVar's aggregate classification.

Clinical Genetics, Academic Medical Center
Classification: Benign. Review status: no assertion criteria provided. Collection method: clinical testing. Allele origin: germline. Affected: yes. Study: VKGL Data-share Consensus. Not counted in ClinVar's aggregate classification.

Diagnostic Laboratory, Department of Genetics, University Medical Center Groningen
Classification: Likely benign. Review status: no assertion criteria provided. Collection method: clinical testing. Allele origin: germline. Affected: yes. Study: VKGL Data-share Consensus. Not counted in ClinVar's aggregate classification.

Joint Genome Diagnostic Labs from Nijmegen and Maastricht, Radboudumc and MUMC+
Classification: Benign. Review status: no assertion criteria provided. Collection method: clinical testing. Allele origin: germline. Affected: yes. Study: VKGL Data-share Consensus. Not counted in ClinVar's aggregate classification.

Laboratory of Diagnostic Genome Analysis, Leiden University Medical Center (LUMC)
Classification: Likely benign. Review status: no assertion criteria provided. Collection method: clinical testing. Allele origin: germline. Affected: yes. Study: VKGL Data-share Consensus. Not counted in ClinVar's aggregate classification.

NM_001267550.2(TTN):c.101406C>G (p.Val33802=)

Genes: TTN (titin; minus strand), TTN-AS1 (TTN antisense RNA 1; plus strand). Cytogenetic location: 2q31.2.
Variant type: single nucleotide variant.
Coding change: c.101406C>G on transcript NM_001267550.2 (MANE Select); coding-DNA position 101406, C replaced by G.
Protein change: p.Val33802=; no amino-acid change (valine 33802 retained).
Molecular consequence: synonymous variant.
Genome position (GRCh38, 1-based): chr2:178,535,209, G>C on the plus strand (C>G on the coding strand, the complement: TTN is on the minus strand). VCF-style: chr2-178535209-G-C. GRCh37 (hg19) VCF-style: chr2-179399936-G-C.
Other names: p.V32161V:GTC>GTG; p.Val32161=; c.96483C>G, p.Val32161= (NM_001256850.1); c.74211C>G, p.Val24737= (NM_003319.4); c.93702C>G, p.Val31234= (NM_133378.4); c.74586C>G, p.Val24862= (NM_133432.3); c.74787C>G, p.Val24929= (NM_133437.4).
Identifiers: ClinVar variation 47638 (VCV000047638.53), dbSNP rs55802460, ClinGen allele CA284232.